The following is an entry in ClinVar:

NM_001135649.3(FOXI3):c.206C>T (p.Ala69Val)

Gene: FOXI3 (forkhead box I3; minus strand). Cytogenetic location: 2p11.2.
Variant type: single nucleotide variant.
Coding change: c.206C>T on transcript NM_001135649.3 (MANE Select); coding-DNA position 206, C replaced by T.
Protein change: p.Ala69Val; replaces alanine 69 with valine.
Molecular consequence: missense variant.
Genome position (GRCh38, 1-based): chr2:88,452,330, G>A on the plus strand (C>T on the coding strand, the complement: FOXI3 is on the minus strand). VCF-style: chr2-88452330-G-A. GRCh37 (hg19) VCF-style: chr2-88751848-G-A.
Other names: short protein forms A69V.
Identifiers: ClinVar variation 2983918 (VCV002983918.3), dbSNP rs1355053437, ClinGen allele CA347766835.

ClinVar aggregate classification (germline): Uncertain significance (1 of 4 stars; one submission).

Allele frequency attached by ClinVar (database versions not stated): gnomAD 0.00003; gnomAD exomes 0.00003; TOPMed 0.00002.
gnomAD v4.1: 33 of 982,862 alleles (0.0034%); highest among the groups gnomAD compares: Non-Finnish European, 0.0037%; no homozygotes.

Submission:

Labcorp Genetics (formerly Invitae), Labcorp
Classification: Uncertain significance. Last evaluated: 2025-12-23. Review status: criteria provided, single submitter. Criteria: Invitae Variant Classification Sherloc (09022015). Collection method: clinical testing. Allele origin: germline.
Comment: This sequence change replaces alanine, which is neutral and non-polar, with valine, which is neutral and non-polar, at codon 69 of the FOXI3 protein (p.Ala69Val). This variant is present in population databases (no rsID available, gnomAD 0.01%). This variant has not been reported in the literature in individuals affected with FOXI3-related conditions. ClinVar contains an entry for this variant (Variation ID: 2983918). Experimental studies and prediction algorithms are not available or were not evaluated, and the functional significance of this variant is currently unknown. In summary, the available evidence is currently insufficient to determine the role of this variant in disease. Therefore, it has been classified as a Variant of Uncertain Significance.